The following is an entry in ClinVar:

NM_017763.6(RNF43):c.548A>G (p.His183Arg)

Gene: RNF43 (ring finger protein 43; minus strand). Cytogenetic location: 17q22.
Variant type: single nucleotide variant.
Coding change: c.548A>G on transcript NM_017763.6 (MANE Select); coding-DNA position 548, A replaced by G.
Protein change: p.His183Arg; replaces histidine 183 with arginine.
Molecular consequence: missense variant.
Genome position (GRCh38, 1-based): chr17:58,363,309, T>C on the plus strand (A>G on the coding strand, the complement: RNF43 is on the minus strand). VCF-style: chr17-58363309-T-C. GRCh37 (hg19) VCF-style: chr17-56440670-T-C.
Other names: c.548A>G (NM_017763.4); c.548A>G, p.His183Arg (NM_001305544.3); c.167A>G, p.His56Arg (NM_001305545.2); short protein forms H56R, H183R.
Identifiers: ClinVar variation 1442365 (VCV001442365.8), dbSNP rs1230901623, ClinGen allele CA400337957.
Genomic context (GRCh38, chr17:58,363,309, plus strand): 5'-AAGGTCTGGAGGTCTAGTGTGCTTACCCAGGCCGGGGGCTCCTTCAGCTCAATCCTCACA[T>C]GGGCCTTTTGGTTCTTGTACACAAACTCCATCAGCTTCTCAGCGTCATTACCCCAGATCA-3'
Protein context (NP_060233.3, residues 173-193): MEFVYKNQKA[His183Arg]VRIELKEPPA

ClinVar aggregate classification (germline): Uncertain significance. Review status: criteria provided, multiple submitters, no conflicts (2 of 4 stars). 3 submissions from 3 submitters: Uncertain significance (3). Last evaluated 2023-08-19.

Conditions:
Sessile serrated polyposis cancer syndrome (SSPCS). Identifiers: Orphanet 157798, MedGen C4310714, MONDO:0014919, OMIM 617108.

Allele frequency attached by ClinVar (database versions not stated): gnomAD exomes below 0.00001 and 0.00001.
gnomAD v4.1: 13 of 1,614,122 alleles (0.00081%); highest among the groups gnomAD compares: Middle Eastern, 0.016%; no homozygotes.

Submissions (3):

Labcorp Genetics (formerly Invitae), Labcorp
Classification: Uncertain significance. Last evaluated: 2023-08-19. Review status: criteria provided, single submitter. Criteria: Invitae Variant Classification Sherloc (09022015). Collection method: clinical testing. Allele origin: germline.
Comment: This variant has not been reported in the literature in individuals affected with RNF43-related conditions. This variant is present in population databases (no rsID available, gnomAD 0.0009%). This sequence change replaces histidine, which is basic and polar, with arginine, which is basic and polar, at codon 183 of the RNF43 protein (p.His183Arg). ClinVar contains an entry for this variant (Variation ID: 1442365). In summary, the available evidence is currently insufficient to determine the role of this variant in disease. Therefore, it has been classified as a Variant of Uncertain Significance. An algorithm developed to predict the effect of missense changes on protein structure and function (PolyPhen-2) suggests that this variant is likely to be tolerated.

Baylor Genetics
Classification: Uncertain significance for Sessile serrated polyposis cancer syndrome. Last evaluated: 2023-05-12. Review status: criteria provided, single submitter. Criteria: ACMG Guidelines, 2015. Collection method: clinical testing. Allele origin: unknown.

GeneDx
Classification: Uncertain significance. Last evaluated: 2022-06-07. Review status: criteria provided, single submitter. Criteria: GeneDx Variant Classification Process June 2021. Collection method: clinical testing. Allele origin: germline. Affected: yes.
Comment: Not observed at significant frequency in large population cohorts (gnomAD); In silico analysis supports that this missense variant does not alter protein structure/function; Has not been previously published as pathogenic or benign to our knowledge; Variants in candidate genes are classified as variants of uncertain significance in accordance with ACMG guidelines (Richards et al., 2015)